The following is an entry in ClinVar:

NM_004612.4(TGFBR1):c.170C>G (p.Ser57Cys)

Gene: TGFBR1 (transforming growth factor beta receptor 1; plus strand). Cytogenetic location: 9q22.33.
Variant type: single nucleotide variant.
Coding change: c.170C>G on transcript NM_004612.4 (MANE Select); coding-DNA position 170, C replaced by G.
Protein change: p.Ser57Cys; replaces serine 57 with cysteine.
Molecular consequence: missense variant. On other transcripts: 5 prime UTR variant (15), non-coding transcript variant (4), intron variant (3).
Genome position (GRCh38, 1-based): chr9:99,128,927, C>G. VCF-style: chr9-99128927-C-G. GRCh37 (hg19) VCF-style: chr9-101891209-C-G.
Other names: c.170C>G, p.Ser57Cys (NM_001130916.3, NM_001306210.2, NM_001407416.1 and 2 more transcripts); c.-38C>G (NM_001407418.1, NM_001407419.1, NM_001407420.1 and 12 more transcripts); c.98-3582C>G (NM_001407436.1); c.98-8932C>G (NM_001407438.1); c.98-13609C>G (NM_001407437.1); short protein forms S57C.
Identifiers: ClinVar variation 2788350 (VCV002788350.3), dbSNP rs1827123534, ClinGen allele CA374225368.
Genomic context (GRCh38, chr9:99,128,927, plus strand): 5'-TCTGCCACCTCTGTACAAAAGACAATTTTACTTGTGTGACAGATGGGCTCTGCTTTGTCT[C>G]TGTCACAGAGACCACAGACAAAGTTATACACAACAGCATGTGTATAGCTGAAATTGACTT-3'
Protein context (NP_004603.1, residues 47-67): TCVTDGLCFV[Ser57Cys]VTETTDKVIH

ClinVar aggregate classification (germline): Uncertain significance (1 of 4 stars; one submission).

Conditions:
Familial thoracic aortic aneurysm and aortic dissection (TAAD). Also called: Thoracic aortic aneurysms and dissections. Identifiers: Orphanet 91387, MedGen C4707243, MONDO:0019625.

Submission:

Labcorp Genetics (formerly Invitae), Labcorp
Classification: Uncertain significance for Familial thoracic aortic aneurysm and aortic dissection. Last evaluated: 2023-11-25. Review status: criteria provided, single submitter. Criteria: Invitae Variant Classification Sherloc (09022015). Collection method: clinical testing. Allele origin: germline.
Comment: This sequence change replaces serine, which is neutral and polar, with cysteine, which is neutral and slightly polar, at codon 57 of the TGFBR1 protein (p.Ser57Cys). This variant is not present in population databases (gnomAD no frequency). This variant has not been reported in the literature in individuals affected with TGFBR1-related conditions. Advanced modeling of protein sequence and biophysical properties (such as structural, functional, and spatial information, amino acid conservation, physicochemical variation, residue mobility, and thermodynamic stability) performed at Invitae indicates that this missense variant is not expected to disrupt TGFBR1 protein function with a negative predictive value of 95%. In summary, the available evidence is currently insufficient to determine the role of this variant in disease. Therefore, it has been classified as a Variant of Uncertain Significance.